The following is an entry in ClinVar:

ClinVar aggregate classification (germline): Uncertain significance (1 of 4 stars; one submission).

Conditions:
Familial thoracic aortic aneurysm and aortic dissection (TAAD). Also called: Thoracic aortic aneurysms and dissections. Identifiers: Orphanet 91387, MedGen C4707243, MONDO:0019625.

Allele frequency attached by ClinVar (database versions not stated): gnomAD exomes 0.00001.

Submission:

All of Us Research Program, National Institutes of Health
Classification: Uncertain significance for Familial thoracic aortic aneurysm and aortic dissection. Last evaluated: 2023-05-16. Review status: criteria provided, single submitter. Criteria: ACMG Guidelines, 2015. Collection method: clinical testing. Allele origin: germline. Inheritance: Autosomal dominant inheritance. Observed: 1 variant allele, 1 heterozygote.
Comment: This missense variant replaces glutamic acid with glutamine at codon 939 of the MYH11 protein. Computational prediction is inconclusive regarding the impact of this variant on protein structure and function (internally defined REVEL score threshold 0.5 < inconclusive < 0.7, PMID: 27666373). To our knowledge, functional studies have not been reported for this variant. This variant has not been reported in individuals affected with MYH11-related disorders in the literature. This variant has not been identified in the general population by the Genome Aggregation Database (gnomAD). The available evidence is insufficient to determine the role of this variant in disease conclusively. Therefore, this variant is classified as a Variant of Uncertain Significance.

This study involves interpretation of variants in research participants for the purpose of population health screening. Participant phenotype was not available at the time of variant classification. Additional details can be found in publication PMID: 35346344, PMCID: PMC8962531

NM_002474.3(MYH11):c.2794G>C (p.Glu932Gln)

Gene: MYH11 (myosin heavy chain 11; minus strand). Cytogenetic location: 16p13.11.
Variant type: single nucleotide variant.
Coding change: c.2794G>C on transcript NM_002474.3 (MANE Select); coding-DNA position 2794, G replaced by C.
Protein change: p.Glu932Gln; replaces glutamic acid 932 with glutamine.
Molecular consequence: missense variant.
Genome position (GRCh38, 1-based): chr16:15,741,528, C>G on the plus strand (G>C on the coding strand, the complement: MYH11 is on the minus strand). VCF-style: chr16-15741528-C-G. GRCh37 (hg19) VCF-style: chr16-15835385-C-G.
Other names: c.2815G>C, p.Glu939Gln (NM_001040113.2, NM_001040114.2); c.2794G>C, p.Glu932Gln (NM_022844.3); short protein forms E939Q, E932Q.
Identifiers: ClinVar variation 3071102 (VCV003071102.1), dbSNP rs1596763082, ClinGen allele CA394865059.